The following is an entry in ClinVar:

ClinVar aggregate classification (germline): Uncertain significance (1 of 4 stars; one submission).

Allele frequency attached by ClinVar (database versions not stated): gnomAD 0.00001.
gnomAD v4.1: 2 of 1,520,112 alleles (0.00013%); highest among the groups gnomAD compares: Non-Finnish European, 0.00018%; no homozygotes.

Submission:

Labcorp Genetics (formerly Invitae), Labcorp
Classification: Uncertain significance. Last evaluated: 2020-10-01. Review status: criteria provided, single submitter. Criteria: Invitae Variant Classification Sherloc (09022015). Collection method: clinical testing. Allele origin: germline.
Comment: In summary, the available evidence is currently insufficient to determine the role of this variant in disease. Therefore, it has been classified as a Variant of Uncertain Significance. This variant has not been reported in the literature in individuals with SAMD11-related conditions. The frequency data for this variant in the population databases is considered unreliable, as metrics indicate insufficient coverage at this position in the ExAC database. This sequence change replaces threonine with asparagine at codon 422 of the SAMD11 protein (p.Thr422Asn). The threonine residue is highly conserved and there is a small physicochemical difference between threonine and asparagine. Algorithms developed to predict the effect of missense changes on protein structure and function are either unavailable or do not agree on the potential impact of this missense change (SIFT: "Deleterious"; PolyPhen-2: "Benign"; Align-GVGD: "Class C0").

NM_001385641.1(SAMD11):c.1754C>A (p.Thr585Asn)

Gene: SAMD11 (sterile alpha motif domain containing 11; plus strand). Cytogenetic location: 1p36.33.
Variant type: single nucleotide variant.
Coding change: c.1754C>A on transcript NM_001385641.1 (MANE Select); coding-DNA position 1754, C replaced by A.
Protein change: p.Thr585Asn; replaces threonine 585 with asparagine.
Molecular consequence: missense variant.
Genome position (GRCh38, 1-based): chr1:942,759, C>A. VCF-style: chr1-942759-C-A. GRCh37 (hg19) VCF-style: chr1-878139-C-A.
Other names: c.1757C>A, p.Thr586Asn (NM_001385640.1); c.1265C>A, p.Thr422Asn (NM_152486.4); short protein forms T422N, T585N, T586N.
Identifiers: ClinVar variation 1053389 (VCV001053389.8), dbSNP rs1350553332, ClinGen allele CA337810403.